The following is an entry in ClinVar:

ClinVar aggregate classification (germline): Pathogenic (1 of 4 stars; one submission).

Submission:

Labcorp Genetics (formerly Invitae), Labcorp
Classification: Pathogenic. Last evaluated: 2025-06-22. Review status: criteria provided, single submitter. Criteria: Invitae Variant Classification Sherloc (09022015). Collection method: clinical testing. Allele origin: germline.
Comment: This sequence change creates a premature translational stop signal (p.Ala627Leufs*43) in the SPTB gene. It is expected to result in an absent or disrupted protein product. Loss-of-function variants in SPTB are known to be pathogenic (PMID: 1391962, 1498324, 8844207, 26830532, 27292444). This variant is not present in population databases (gnomAD no frequency). This variant has not been reported in the literature in individuals affected with SPTB-related conditions. For these reasons, this variant has been classified as Pathogenic.

Literature cited by the submitters: PubMed 1391962; PubMed 1498324; PubMed 8844207; PubMed 26830532; PubMed 27292444.

NM_001355436.2(SPTB):c.1879del (p.Ala627fs)

Gene: SPTB (spectrin beta, erythrocytic; minus strand). Cytogenetic location: 14q23.3.
Variant type: Deletion.
Coding change: c.1879del on transcript NM_001355436.2 (MANE Select); coding-DNA position 1879, one base deleted (G; older notation c.1879delG).
Protein change: p.Ala627fs; shifts the reading frame from alanine 627.
Molecular consequence: frameshift variant.
Genome position (GRCh38, 1-based): chr14:64,793,784, C deleted on the plus strand (G on the coding strand, the reverse complement: SPTB is on the minus strand). VCF-style (leftmost placement, unchanged base first): chr14-64793783-GC-G. GRCh37 (hg19) VCF-style: chr14-65260501-GC-G.
Other names: c.1879del, p.Ala627fs (NM_001024858.4, NM_001355437.2); short protein forms A627fs.
Identifiers: ClinVar variation 4721907 (VCV004721907.1).